The following is an entry in ClinVar:

ClinVar aggregate classification (germline): Uncertain significance (1 of 4 stars; one submission).

Allele frequency attached by ClinVar (database versions not stated): gnomAD 0.00006 and 0.00007; TOPMed 0.00006; ESP Exome Variant Server 0.00008; ExAC 0.00010.
gnomAD v4.1: 166 of 1,555,628 alleles (0.011%); highest among the groups gnomAD compares: Non-Finnish European, 0.012%; 1 homozygote.

Submission:

Labcorp Genetics (formerly Invitae), Labcorp
Classification: Uncertain significance. Last evaluated: 2025-09-28. Review status: criteria provided, single submitter. Criteria: Invitae Variant Classification Sherloc (09022015). Collection method: clinical testing. Allele origin: germline.
Comment: This sequence change replaces arginine, which is basic and polar, with histidine, which is basic and polar, at codon 39 of the CEP89 protein (p.Arg39His). This variant is present in population databases (rs201321869, gnomAD 0.04%). This variant has not been reported in the literature in individuals affected with CEP89-related conditions. ClinVar contains an entry for this variant (Variation ID: 1421841). An algorithm developed to predict the effect of missense changes on protein structure and function (PolyPhen-2) suggests that this variant is likely to be disruptive. In summary, the available evidence is currently insufficient to determine the role of this variant in disease. Therefore, it has been classified as a Variant of Uncertain Significance.

NM_032816.5(CEP89):c.116G>A (p.Arg39His)

Gene: CEP89 (centrosomal protein 89; minus strand). Cytogenetic location: 19q13.11.
Variant type: single nucleotide variant.
Coding change: c.116G>A on transcript NM_032816.5 (MANE Select); coding-DNA position 116, G replaced by A.
Protein change: p.Arg39His; replaces arginine 39 with histidine.
Molecular consequence: missense variant.
Genome position (GRCh38, 1-based): chr19:32,966,390, C>T on the plus strand (G>A on the coding strand, the complement: CEP89 is on the minus strand). VCF-style: chr19-32966390-C-T. GRCh37 (hg19) VCF-style: chr19-33457296-C-T.
Other names: short protein forms R39H.
Identifiers: ClinVar variation 1421841 (VCV001421841.6), dbSNP rs201321869, ClinGen allele CA9359922.